The following is an entry in ClinVar:

NM_001846.4(COL4A2):c.1020C>T (p.Ala340=)

Gene: COL4A2 (collagen type IV alpha 2 chain; plus strand). Cytogenetic location: 13q34.
Variant type: single nucleotide variant.
Coding change: c.1020C>T on transcript NM_001846.4 (MANE Select); coding-DNA position 1020, C replaced by T.
Protein change: p.Ala340=; no amino-acid change (alanine 340 retained).
Molecular consequence: synonymous variant.
Genome position (GRCh38, 1-based): chr13:110,446,806, C>T. VCF-style: chr13-110446806-C-T. GRCh37 (hg19) VCF-style: chr13-111099153-C-T.
Other names: c.1020C>T (NM_001846.3).
Identifiers: ClinVar variation 1643591 (VCV001643591.10), dbSNP rs539880947, ClinGen allele CA7049292.

ClinVar aggregate classification (germline): Likely benign. Review status: criteria provided, single submitter (1 of 4 stars). 2 submissions from 2 submitters: Likely benign (1). 1 of the submissions does not count toward it. Last evaluated 2024-12-09.

Conditions:
COL4A2-related disorder. Also called: COL4A2-related disorders; COL4A2-related condition.

Allele frequency attached by ClinVar (database versions not stated): ExAC 0.00002; TOPMed 0.00003; gnomAD 0.00004 and 0.00005; gnomAD exomes 0.00008; 1000 Genomes Project 30x 0.00016; 1000 Genomes Project 0.00020.
gnomAD v4.1: 72 of 1,612,134 alleles (0.0045%); highest among the groups gnomAD compares: East Asian, 0.051%; no homozygotes.

Submissions (2):

Labcorp Genetics (formerly Invitae), Labcorp
Classification: Likely benign. Last evaluated: 2024-12-09. Review status: criteria provided, single submitter. Criteria: Invitae Variant Classification Sherloc (09022015). Collection method: clinical testing. Allele origin: germline.

PreventionGenetics, part of Exact Sciences
Classification: Likely benign for COL4A2-related condition. Last evaluated: 2020-05-19. Review status: no assertion criteria provided. Collection method: clinical testing. Allele origin: germline. Not counted in ClinVar's aggregate classification.
Comment: This variant is classified as likely benign based on ACMG/AMP sequence variant interpretation guidelines (Richards et al. 2015 PMID: 25741868, with internal and published modifications).